The following is an entry in ClinVar:

NM_005477.3(HCN4):c.3574C>T (p.Pro1192Ser)

Gene: HCN4 (hyperpolarization activated cyclic nucleotide gated potassium channel 4; minus strand). Cytogenetic location: 15q24.1.
Variant type: single nucleotide variant.
Coding change: c.3574C>T on transcript NM_005477.3 (MANE Select); coding-DNA position 3574, C replaced by T.
Protein change: p.Pro1192Ser; replaces proline 1192 with serine.
Molecular consequence: missense variant.
Genome position (GRCh38, 1-based): chr15:73,322,519, G>A on the plus strand (C>T on the coding strand, the complement: HCN4 is on the minus strand). VCF-style: chr15-73322519-G-A. GRCh37 (hg19) VCF-style: chr15-73614860-G-A.
Other names: short protein forms P1192S.
Identifiers: ClinVar variation 3524360 (VCV003524360.2).

ClinVar aggregate classification (germline): Conflicting classifications of pathogenicity. Review status: criteria provided, conflicting classifications (1 of 4 stars). 2 submissions from 2 submitters: Uncertain significance (1); Likely benign (1). Last evaluated 2025-09-24.

Conditions:
Cardiovascular phenotype. Identifiers: MedGen CN230736.
Brugada syndrome 8 (BRGDA8). Identifiers: Orphanet 130, MedGen C2751083, MONDO:0013148, OMIM 613123.

gnomAD v4.1: 1 of 1,602,698 alleles (0.000062%); highest among the groups gnomAD compares: Non-Finnish European, 0.000085%; no homozygotes.

Submissions (2):

Labcorp Genetics (formerly Invitae), Labcorp
Classification: Uncertain significance for Brugada syndrome 8. Last evaluated: 2025-09-24. Review status: criteria provided, single submitter. Criteria: Invitae Variant Classification Sherloc (09022015). Collection method: clinical testing. Allele origin: germline.
Comment: This sequence change replaces proline, which is neutral and non-polar, with serine, which is neutral and polar, at codon 1192 of the HCN4 protein (p.Pro1192Ser). The frequency data for this variant in the population databases is considered unreliable, as metrics indicate poor data quality at this position in the gnomAD database. This variant has not been reported in the literature in individuals affected with HCN4-related conditions. ClinVar contains an entry for this variant (Variation ID: 3524360). Invitae Evidence Modeling of protein sequence and biophysical properties (such as structural, functional, and spatial information, amino acid conservation, physicochemical variation, residue mobility, and thermodynamic stability) indicates that this missense variant is not expected to disrupt HCN4 protein function with a negative predictive value of 95%. In summary, the available evidence is currently insufficient to determine the role of this variant in disease. Therefore, it has been classified as a Variant of Uncertain Significance.

Ambry Genetics
Classification: Likely benign for Cardiovascular phenotype. Last evaluated: 2024-10-28. Review status: criteria provided, single submitter. Criteria: Ambry Variant Classification Scheme 2023. Collection method: clinical testing. Allele origin: germline.